The following is an entry in ClinVar:

NM_014362.4(HIBCH):c.593C>T (p.Thr198Ile)

Gene: HIBCH (3-hydroxyisobutyryl-CoA hydrolase; minus strand). Cytogenetic location: 2q32.2.
Variant type: single nucleotide variant.
Coding change: c.593C>T on transcript NM_014362.4 (MANE Select); coding-DNA position 593, C replaced by T.
Protein change: p.Thr198Ile; replaces threonine 198 with isoleucine.
Molecular consequence: missense variant.
Genome position (GRCh38, 1-based): chr2:190,252,232, G>A on the plus strand (C>T on the coding strand, the complement: HIBCH is on the minus strand). VCF-style: chr2-190252232-G-A. GRCh37 (hg19) VCF-style: chr2-191116958-G-A.
Other names: c.593C>T, p.Thr198Ile (NM_198047.3); short protein forms T198I.
Identifiers: ClinVar variation 5002339 (VCV005002339.1).

ClinVar aggregate classification (germline): Uncertain significance (1 of 4 stars; one submission).

Conditions:
HIBCH-related disorder. Also called: HIBCH-related condition.

Submission:

PreventionGenetics, part of Exact Sciences
Classification: Uncertain significance for HIBCH-related condition. Last evaluated: 2024-12-04. Review status: criteria provided, single submitter. Criteria: ACMG Guidelines, 2015. Collection method: clinical testing. Allele origin: germline.
Comment: The HIBCH c.593C>T variant is predicted to result in the amino acid substitution p.Thr198Ile. To our knowledge, this variant has not been reported in the literature or in a large population database (gnomAD), indicating this variant is rare. At this time, the clinical significance of this variant is uncertain due to the absence of conclusive functional and genetic evidence.